The following is an entry in ClinVar:

ClinVar aggregate classification (germline): Uncertain significance. Review status: criteria provided, multiple submitters, no conflicts (2 of 4 stars). 2 submissions from 2 submitters: Uncertain significance (2). Last evaluated 2025-08-23.

Conditions:
Inborn genetic diseases. Identifiers: MedGen C0950123, MeSH D030342.

Allele frequency attached by ClinVar (database versions not stated): gnomAD exomes 0.00003; ExAC 0.00012.
gnomAD v4.1: 51 of 1,604,192 alleles (0.0032%); highest among the groups gnomAD compares: South Asian, 0.0022%; no homozygotes.

Submissions (2):

Ambry Genetics
Classification: Uncertain significance for Inborn genetic diseases. Last evaluated: 2025-08-23. Review status: criteria provided, single submitter. Criteria: Ambry Variant Classification Scheme 2023. Collection method: clinical testing. Allele origin: germline.

Labcorp Genetics (formerly Invitae), Labcorp
Classification: Uncertain significance. Last evaluated: 2025-06-03. Review status: criteria provided, single submitter. Criteria: Invitae Variant Classification Sherloc (09022015). Collection method: clinical testing. Allele origin: germline.
Comment: This sequence change replaces alanine, which is neutral and non-polar, with threonine, which is neutral and polar, at codon 2283 of the APC2 protein (p.Ala2283Thr). This variant is present in population databases (rs202013039, gnomAD 0.1%). This variant has not been reported in the literature in individuals affected with APC2-related conditions. ClinVar contains an entry for this variant (Variation ID: 2215026). Invitae Evidence Modeling of protein sequence and biophysical properties (such as structural, functional, and spatial information, amino acid conservation, physicochemical variation, residue mobility, and thermodynamic stability) indicates that this missense variant is not expected to disrupt APC2 protein function with a negative predictive value of 80%. In summary, the available evidence is currently insufficient to determine the role of this variant in disease. Therefore, it has been classified as a Variant of Uncertain Significance.

NM_005883.3(APC2):c.6847G>A (p.Ala2283Thr)

Gene: APC2 (APC regulator of Wnt signaling pathway 2; plus strand). Cytogenetic location: 19p13.3.
Variant type: single nucleotide variant.
Coding change: c.6847G>A on transcript NM_005883.3 (MANE Select); coding-DNA position 6847, G replaced by A.
Protein change: p.Ala2283Thr; replaces alanine 2283 with threonine.
Molecular consequence: missense variant.
Genome position (GRCh38, 1-based): chr19:1,470,148, G>A. VCF-style: chr19-1470148-G-A. GRCh37 (hg19) VCF-style: chr19-1470147-G-A.
Other names: c.6844G>A, p.Ala2282Thr (NM_001351273.1); short protein forms A2282T, A2283T.
Identifiers: ClinVar variation 2215026 (VCV002215026.4), dbSNP rs202013039, ClinGen allele CA9046203.
Genomic context (GRCh38, chr19:1,470,148, plus strand): 5'-TCCCCCAGCCGCTCGGCCCGAGTACCCCCCTTCAACTATGTGCCCAGCCCCATGGTGGTC[G>A]CAGCCACCACCGACTCGGCCGCGGAGAAAGCCCCGGCCACTGCCTCCGCCACCCTCCTGG-3'
Protein context (NP_005874.1, residues 2273-2293): FNYVPSPMVV[Ala2283Thr]ATTDSAAEKA